The following is an entry in ClinVar:

NM_002303.6(LEPR):c.1418G>C (p.Cys473Ser)

Gene: LEPR (leptin receptor; plus strand). Cytogenetic location: 1p31.3.
Variant type: single nucleotide variant.
Coding change: c.1418G>C on transcript NM_002303.6 (MANE Select); coding-DNA position 1418, G replaced by C.
Protein change: p.Cys473Ser; replaces cysteine 473 with serine.
Molecular consequence: missense variant.
Genome position (GRCh38, 1-based): chr1:65,605,052, G>C. VCF-style: chr1-65605052-G-C. GRCh37 (hg19) VCF-style: chr1-66070735-G-C.
Other names: c.1418G>C, p.Cys473Ser (NM_001003679.3, NM_001003680.3, NM_001198687.2 and 2 more transcripts); short protein forms C473S.
Identifiers: ClinVar variation 1949969 (VCV001949969.5), dbSNP rs2526729255, ClinGen allele CA340669376.

ClinVar aggregate classification (germline): Uncertain significance (1 of 4 stars; one submission).

Submission:

Labcorp Genetics (formerly Invitae), Labcorp
Classification: Uncertain significance. Last evaluated: 2022-08-31. Review status: criteria provided, single submitter. Criteria: Invitae Variant Classification Sherloc (09022015). Collection method: clinical testing. Allele origin: germline.
Comment: This sequence change replaces cysteine, which is neutral and slightly polar, with serine, which is neutral and polar, at codon 473 of the LEPR protein (p.Cys473Ser). In summary, the available evidence is currently insufficient to determine the role of this variant in disease. Therefore, it has been classified as a Variant of Uncertain Significance. Algorithms developed to predict the effect of missense changes on protein structure and function (SIFT, PolyPhen-2, Align-GVGD) all suggest that this variant is likely to be disruptive. This variant has not been reported in the literature in individuals affected with LEPR-related conditions. This variant is not present in population databases (gnomAD no frequency).